The following is an entry in ClinVar:

NM_004172.5(SLC1A3):c.1153C>T (p.Arg385Cys)

Genes: SLC1A3 (solute carrier family 1 member 3; plus strand), SLC1A3-AS1 (SLC1A3 antisense RNA 1; minus strand). Cytogenetic location: 5p13.2.
Variant type: single nucleotide variant.
Coding change: c.1153C>T on transcript NM_004172.5 (MANE Select); coding-DNA position 1153, C replaced by T.
Protein change: p.Arg385Cys; replaces arginine 385 with cysteine.
Molecular consequence: missense variant.
Genome position (GRCh38, 1-based): chr5:36,680,453, C>T. VCF-style: chr5-36680453-C-T. GRCh37 (hg19) VCF-style: chr5-36680555-C-T.
Other names: c.1153C>T, p.Arg385Cys (NM_001166695.3); c.1015C>T, p.Arg339Cys (NM_001289939.2); c.817C>T, p.Arg273Cys (NM_001289940.2); short protein forms R273C, R339C, R385C.
Identifiers: ClinVar variation 3257081 (VCV003257081.17).

ClinVar aggregate classification (germline): Uncertain significance (1 of 4 stars; one submission).

gnomAD v4.1: 37 of 1,614,056 alleles (0.0023%); highest among the groups gnomAD compares: African/African-American, 0.004%; no homozygotes.

Submission:

CeGaT Center for Human Genetics Tuebingen
Classification: Uncertain significance. Last evaluated: 2024-07-01. Review status: criteria provided, single submitter. Criteria: CeGaT Center For Human Genetics Tuebingen Variant Classification Criteria Version 2. Collection method: clinical testing. Allele origin: germline. Affected: yes. Observed: 1 variant allele.
Comment: SLC1A3: PP3